The following is an entry in ClinVar:

ClinVar aggregate classification (germline): Uncertain significance (1 of 4 stars; one submission).

gnomAD v4.1: 3 of 1,614,218 alleles (0.00019%); highest among the groups gnomAD compares: South Asian, 0.0033%; no homozygotes.

Submission:

Labcorp Genetics (formerly Invitae), Labcorp
Classification: Uncertain significance. Last evaluated: 2024-08-05. Review status: criteria provided, single submitter. Criteria: Invitae Variant Classification Sherloc (09022015). Collection method: clinical testing. Allele origin: germline.
Comment: This sequence change replaces aspartic acid, which is acidic and polar, with glycine, which is neutral and non-polar, at codon 3551 of the KMT2A protein (p.Asp3551Gly). This variant is present in population databases (no rsID available, gnomAD 0.003%). This variant has not been reported in the literature in individuals affected with KMT2A-related conditions. ClinVar contains an entry for this variant (Variation ID: 2091706). Advanced modeling of protein sequence and biophysical properties (such as structural, functional, and spatial information, amino acid conservation, physicochemical variation, residue mobility, and thermodynamic stability) performed at Invitae indicates that this missense variant is not expected to disrupt KMT2A protein function with a negative predictive value of 95%. In summary, the available evidence is currently insufficient to determine the role of this variant in disease. Therefore, it has been classified as a Variant of Uncertain Significance.

NM_001197104.2(KMT2A):c.10652A>G (p.Asp3551Gly)

Gene: KMT2A (lysine methyltransferase 2A; plus strand). Cytogenetic location: 11q23.3.
Variant type: single nucleotide variant.
Coding change: c.10652A>G on transcript NM_001197104.2 (MANE Select); coding-DNA position 10652, A replaced by G.
Protein change: p.Asp3551Gly; replaces aspartic acid 3551 with glycine.
Molecular consequence: missense variant.
Genome position (GRCh38, 1-based): chr11:118,506,544, A>G. VCF-style: chr11-118506544-A-G. GRCh37 (hg19) VCF-style: chr11-118377259-A-G.
Other names: c.10742A>G, p.Asp3581Gly (NM_001412597.1); c.10643A>G, p.Asp3548Gly (NM_005933.4); short protein forms D3548G, D3581G, D3551G.
Identifiers: ClinVar variation 2091706 (VCV002091706.4), dbSNP rs141407877, ClinGen allele CA382826638.